The following is an entry in ClinVar:

ClinVar aggregate classification (germline): Likely pathogenic (1 of 4 stars; one submission).

Submission:

CeGaT Center for Human Genetics Tuebingen
Classification: Likely pathogenic. Last evaluated: 2025-12-01. Review status: criteria provided, single submitter. Criteria: CeGaT Center For Human Genetics Tuebingen Variant Classification Criteria Version 2. Collection method: clinical testing. Allele origin: germline. Affected: yes. Observed: 1 variant allele.
Comment: CACNA1S: PVS1:Strong, PM2

NM_000069.3(CACNA1S):c.3795+2T>A

Gene: CACNA1S (calcium voltage-gated channel subunit alpha1 S; minus strand). Cytogenetic location: 1q32.1.
Variant type: single nucleotide variant.
Coding change: c.3795+2T>A on transcript NM_000069.3 (MANE Select); the canonical splice donor site of the intron after coding-DNA position 3795, T replaced by A.
Molecular consequence: splice donor variant.
Genome position (GRCh38, 1-based): chr1:201,053,457, A>T on the plus strand (T>A on the coding strand, the complement: CACNA1S is on the minus strand). VCF-style: chr1-201053457-A-T. GRCh37 (hg19) VCF-style: chr1-201022585-A-T.
Identifiers: ClinVar variation 4681799 (VCV004681799.5).